The following is an entry in ClinVar:

NM_019892.6(INPP5E):c.1862G>A (p.Arg621Gln)

Gene: INPP5E (inositol polyphosphate-5-phosphatase E; minus strand). Cytogenetic location: 9q34.3.
Variant type: single nucleotide variant.
Coding change: c.1862G>A on transcript NM_019892.6 (MANE Select); coding-DNA position 1862, G replaced by A.
Protein change: p.Arg621Gln; replaces arginine 621 with glutamine.
Molecular consequence: missense variant.
Genome position (GRCh38, 1-based): chr9:136,429,748, C>T on the plus strand (G>A on the coding strand, the complement: INPP5E is on the minus strand). VCF-style: chr9-136429748-C-T. GRCh37 (hg19) VCF-style: chr9-139324200-C-T.
Other names: c.1859G>A, p.Arg620Gln (NM_001318502.2); short protein forms R620Q, R621Q.
Identifiers: ClinVar variation 812336 (VCV000812336.9), dbSNP rs1588830568, ClinGen allele CA375560232.

ClinVar aggregate classification (germline): Pathogenic/Likely pathogenic. Review status: criteria provided, multiple submitters, no conflicts (2 of 4 stars). 4 submissions from 4 submitters: Pathogenic (2); Likely pathogenic (1). 1 of the submissions does not count toward it. Last evaluated 2023-10-03.

Conditions:
Joubert syndrome and related disorders. Identifiers: Orphanet 140874, MedGen C5679612, MONDO:0015369.
Joubert syndrome. Also called: Familial aplasia of the vermis; JOUBERT-BOLTSHAUSER SYNDROME. Identifiers: Orphanet 475, MedGen C5979921, MONDO:0018772.
Leber congenital amaurosis (LCA). Also called: Leber's amaurosis. Identifiers: Orphanet 65, MedGen C0339527, MeSH D057130, MONDO:0018998.
Rod-cone dystrophy. Identifiers: MedGen C4551714, HP:0000510.

Allele frequency attached by ClinVar (database versions not stated): gnomAD exomes below 0.00001; gnomAD 0.00001.

Submissions (4):

Labcorp Genetics (formerly Invitae), Labcorp
Classification: Pathogenic for Joubert syndrome. Last evaluated: 2023-10-03. Review status: criteria provided, single submitter. Criteria: Invitae Variant Classification Sherloc (09022015). Collection method: clinical testing. Allele origin: germline.
Comment: This sequence change replaces arginine, which is basic and polar, with glutamine, which is neutral and polar, at codon 621 of the INPP5E protein (p.Arg621Gln). This variant is not present in population databases (gnomAD no frequency). This missense change has been observed in individual(s) with clinical features of Joubert syndrome and/or retinitis pigmentosa (PMID: 23034536, 28559085, 29146704, 29186038, 31456290, 34188062). In at least one individual the data is consistent with being in trans (on the opposite chromosome) from a pathogenic variant. ClinVar contains an entry for this variant (Variation ID: 812336). Advanced modeling of protein sequence and biophysical properties (such as structural, functional, and spatial information, amino acid conservation, physicochemical variation, residue mobility, and thermodynamic stability) performed at Invitae indicates that this missense variant is expected to disrupt INPP5E protein function. For these reasons, this variant has been classified as Pathogenic.

Women's Health and Genetics/Laboratory Corporation of America, LabCorp
Classification: Pathogenic for Joubert syndrome and related disorders. Last evaluated: 2022-08-11. Review status: criteria provided, single submitter. Criteria: LabCorp Variant Classification Summary - May 2015. Collection method: clinical testing. Allele origin: germline.
Comment: Variant summary: INPP5E c.1862G>A (p.Arg621Gln) results in a conservative amino acid change in the encoded protein sequence. Four of five in-silico tools predict a damaging effect of the variant on protein function. The variant was absent in 251460 control chromosomes (gnomAD). c.1862G>A has been reported in the literature in multiple compound heterozygous and homozygous individuals affected with Joubert Syndrome And Related Disorders and with inherited retinal disorders (e.g. Travaglini_2013, Tsurusaki_2013, Fleming_2017, Porto_2017, Sangermano_2021). These data indicate that the variant is very likely to be associated with disease. Three ClinVar submitters (evaluation after 2014) cite the variant as likely pathogenic. Based on the evidence outlined above, the variant was classified as pathogenic.

Ocular Genomics Institute, Massachusetts Eye and Ear
Classification: Likely pathogenic for Rod-cone dystrophy. Last evaluated: 2021-04-08. Review status: criteria provided, single submitter. Criteria: ACMG Guidelines, 2015. Collection method: research. Allele origin: germline. Affected: yes.
Comment: Through a review of available evidence we were able to apply the following criteria: PM2, PM3, PM5, PP1. Based on this evidence we have classified this variant as Likely Pathogenic.

Sharon lab, Hadassah-Hebrew University Medical Center
Classification: Likely pathogenic for leber congenital amaurosis. Last evaluated: 2019-06-23. Review status: no assertion criteria provided. Collection method: research. Allele origin: inherited. Affected: yes. Not counted in ClinVar's aggregate classification.

Literature cited by the submitters: PubMed 23034536 (cited by Labcorp Genetics (formerly Invitae), Labcorp and Women's Health and Genetics/Laboratory Corporation of America, LabCorp); PubMed 28559085 (cited by Labcorp Genetics (formerly Invitae), Labcorp); PubMed 29146704 (cited by Labcorp Genetics (formerly Invitae), Labcorp and Women's Health and Genetics/Laboratory Corporation of America, LabCorp); PubMed 29186038 (cited by Labcorp Genetics (formerly Invitae), Labcorp and Women's Health and Genetics/Laboratory Corporation of America, LabCorp); PubMed 31456290 (cited by Labcorp Genetics (formerly Invitae), Labcorp); PubMed 34188062 (cited by Labcorp Genetics (formerly Invitae), Labcorp and Women's Health and Genetics/Laboratory Corporation of America, LabCorp); PubMed 23386033 (cited by Women's Health and Genetics/Laboratory Corporation of America, LabCorp).